The following is an entry in ClinVar:

ClinVar aggregate classification (germline): Pathogenic (1 of 4 stars; one submission).

Conditions:
LAMA2-related muscular dystrophy (LAMA2-RD). Also called: Laminin alpha 2-related dystrophy. Identifiers: MedGen C5679788, MONDO:0100228.

Allele frequency attached by ClinVar (database versions not stated): gnomAD exomes below 0.00001.
gnomAD v4.1: 1 of 1,613,830 alleles (0.000062%); highest among the groups gnomAD compares: Non-Finnish European, 0.000085%; no homozygotes.

Submission:

Labcorp Genetics (formerly Invitae), Labcorp
Classification: Pathogenic for LAMA2-related muscular dystrophy. Last evaluated: 2021-12-14. Review status: criteria provided, single submitter. Criteria: Invitae Variant Classification Sherloc (09022015). Collection method: clinical testing. Allele origin: germline.
Comment: For these reasons, this variant has been classified as Pathogenic. This variant has not been reported in the literature in individuals affected with LAMA2-related conditions. This variant is not present in population databases (gnomAD no frequency). This sequence change creates a premature translational stop signal (p.Glu1577*) in the LAMA2 gene. It is expected to result in an absent or disrupted protein product. Loss-of-function variants in LAMA2 are known to be pathogenic (PMID: 18700894, 32904964).

Literature cited by the submitters: PubMed 18700894; PubMed 32904964.

NM_000426.4(LAMA2):c.4729G>T (p.Glu1577Ter)

Gene: LAMA2 (laminin subunit alpha 2; plus strand). Cytogenetic location: 6q22.33.
Variant type: single nucleotide variant.
Coding change: c.4729G>T on transcript NM_000426.4 (MANE Select); coding-DNA position 4729, G replaced by T.
Protein change: p.Glu1577Ter; replaces glutamic acid 1577 with a stop codon.
Molecular consequence: nonsense.
Genome position (GRCh38, 1-based): chr6:129,366,230, G>T. VCF-style: chr6-129366230-G-T. GRCh37 (hg19) VCF-style: chr6-129687375-G-T.
Other names: c.4729G>T, p.Glu1577Ter (NM_001079823.2); short protein forms E1577*.
Identifiers: ClinVar variation 2042818 (VCV002042818.4), dbSNP rs2482626629, ClinGen allele CA365622545.